The following is an entry in ClinVar:

ClinVar aggregate classification (germline): Uncertain significance (1 of 4 stars; one submission).

Conditions:
Combined immunodeficiency due to ZAP70 deficiency (IMD48). Also called: Immunodeficiency 48; ZAP70 Deficiency. Identifiers: Orphanet 911, MedGen C2931299, MONDO:0010023, OMIM 269840.

Allele frequency attached by ClinVar (database versions not stated): gnomAD exomes 0.00001.
gnomAD v4.1: 3 of 1,553,760 alleles (0.00019%); highest among the groups gnomAD compares: East Asian, 0.0071%; no homozygotes.

Submission:

Labcorp Genetics (formerly Invitae), Labcorp
Classification: Uncertain significance for Combined immunodeficiency due to ZAP70 deficiency. Last evaluated: 2019-08-18. Review status: criteria provided, single submitter. Criteria: Invitae Variant Classification Sherloc (09022015). Collection method: clinical testing. Allele origin: germline.
Comment: This sequence change replaces alanine with threonine at codon 6 of the ZAP70 protein (p.Ala6Thr). The alanine residue is moderately conserved and there is a small physicochemical difference between alanine and threonine. The frequency data for this variant in the population databases is considered unreliable, as metrics indicate insufficient coverage at this position in the ExAC database. This variant has not been reported in the literature in individuals with ZAP70-related conditions. Algorithms developed to predict the effect of missense changes on protein structure and function (SIFT, PolyPhen-2, Align-GVGD) all suggest that this variant is likely to be tolerated, but these predictions have not been confirmed by published functional studies and their clinical significance is uncertain. In summary, the available evidence is currently insufficient to determine the role of this variant in disease. Therefore, it has been classified as a Variant of Uncertain Significance.

NM_001079.4(ZAP70):c.16G>A (p.Ala6Thr)

Gene: ZAP70 (zeta chain of T cell receptor associated protein kinase 70; plus strand). Cytogenetic location: 2q11.2.
Variant type: single nucleotide variant.
Coding change: c.16G>A on transcript NM_001079.4 (MANE Select); coding-DNA position 16, G replaced by A.
Protein change: p.Ala6Thr; replaces alanine 6 with threonine.
Molecular consequence: missense variant.
Genome position (GRCh38, 1-based): chr2:97,724,052, G>A. VCF-style: chr2-97724052-G-A. GRCh37 (hg19) VCF-style: chr2-98340515-G-A.
Other names: c.16G>A, p.Ala6Thr (NM_001378594.1); short protein forms A6T.
Identifiers: ClinVar variation 939012 (VCV000939012.8), dbSNP rs1677267957, ClinGen allele CA347786720.